The following is an entry in ClinVar:

NM_000368.5(TSC1):c.114C>G (p.Gly38=)

Gene: TSC1 (TSC complex subunit 1; minus strand). Cytogenetic location: 9q34.13.
Variant type: single nucleotide variant.
Coding change: c.114C>G on transcript NM_000368.5 (MANE Select); coding-DNA position 114, C replaced by G.
Protein change: p.Gly38=; no amino-acid change (glycine 38 retained).
Molecular consequence: synonymous variant. On other transcripts: intron variant (1).
Genome position (GRCh38, 1-based): chr9:132,927,297, G>C on the plus strand (C>G on the coding strand, the complement: TSC1 is on the minus strand). VCF-style: chr9-132927297-G-C. GRCh37 (hg19) VCF-style: chr9-135802684-G-C.
Other names: c.114C>G, p.Gly38= (NM_001162426.2, NM_001162427.2); c.-154+1470C>G (NM_001362177.2).
Identifiers: ClinVar variation 416680 (VCV000416680.19), dbSNP rs776158461, ClinGen allele CA027186.

ClinVar aggregate classification (germline): Benign/Likely benign. Review status: criteria provided, multiple submitters, no conflicts (2 of 4 stars). 4 submissions from 4 submitters: Benign (2); Likely benign (2). Last evaluated 2025-12-12.

Conditions:
Hereditary cancer-predisposing syndrome. Also called: Tumor predisposition; Neoplastic Syndromes, Hereditary; Hereditary Cancer Syndrome; Hereditary neoplastic syndrome. Identifiers: Orphanet 140162, MedGen C0027672, MeSH D009386, MONDO:0015356.
Tuberous sclerosis 1 (TSC1). Identifiers: Orphanet 805, MedGen C1854465, MONDO:0008612, OMIM 191100.

Allele frequency attached by ClinVar (database versions not stated): TOPMed 0.00002; ExAC 0.00003; gnomAD 0.00003.
gnomAD v4.1: 7 of 1,613,506 alleles (0.00043%); highest among the groups gnomAD compares: African/African-American, 0.0093%; no homozygotes.

Submissions (4):

Labcorp Genetics (formerly Invitae), Labcorp
Classification: Likely benign for Tuberous sclerosis 1. Last evaluated: 2025-12-12. Review status: criteria provided, single submitter. Criteria: Invitae Variant Classification Sherloc (09022015). Collection method: clinical testing. Allele origin: germline.

Myriad Genetics, Inc.
Classification: Benign for Tuberous sclerosis 1. Last evaluated: 2025-04-07. Review status: criteria provided, single submitter. Criteria: Myriad Autosomal Dominant, Autosomal Recessive and X-Linked Classification Criteria (2023). Collection method: clinical testing. Allele origin: unknown.
Comment: This variant is considered benign. This variant is a silent/synonymous amino acid change and it is not expected to impact splicing.

Genome-Nilou Lab
Classification: Benign for Tuberous sclerosis 1. Last evaluated: 2021-11-07. Review status: criteria provided, single submitter. Criteria: ACMG Guidelines, 2015. Collection method: clinical testing. Allele origin: germline. Affected: no.

Ambry Genetics
Classification: Likely benign for Hereditary cancer-predisposing syndrome. Last evaluated: 2019-03-11. Review status: criteria provided, single submitter. Criteria: Ambry Variant Classification Scheme 2023. Collection method: clinical testing. Allele origin: germline.